The following is an entry in ClinVar:

NM_001267550.2(TTN):c.26882A>G (p.His8961Arg)

Gene: TTN (titin; minus strand). Cytogenetic location: 2q31.2.
Variant type: single nucleotide variant.
Coding change: c.26882A>G on transcript NM_001267550.2 (MANE Select); coding-DNA position 26882, A replaced by G.
Protein change: p.His8961Arg; replaces histidine 8961 with arginine.
Molecular consequence: missense variant. On other transcripts: intron variant (3).
Genome position (GRCh38, 1-based): chr2:178,713,252, T>C on the plus strand (A>G on the coding strand, the complement: TTN is on the minus strand). VCF-style: chr2-178713252-T-C. GRCh37 (hg19) VCF-style: chr2-179577979-T-C.
Other names: c.25931A>G, p.His8644Arg (NM_001256850.1); c.23150A>G, p.His7717Arg (NM_133378.4); c.13282+24830A>G (NM_003319.4); c.13858+24830A>G (NM_133437.4); c.13657+24830A>G (NM_133432.3); short protein forms H8961R, H8644R, H7717R.
Identifiers: ClinVar variation 404792 (VCV000404792.7), dbSNP rs766862084, ClinGen allele CA1999903.
Genomic context (GRCh38, chr2:178,713,252, plus strand): 5'-CAAGTATTATCTGTCAGGGTGGTCTGGTATTTCCTTCCACTACTGATCTCATTTCCTTCA[T>C]GGAACCAGGAGACAGAGATTGGAGGTGACCCATAGACTTTACACTCCATTACAACTGAGG-3'
Protein context (NP_001254479.2, residues 8951-8971): GSPPISVSWF[His8961Arg]EGNEISSGRK

ClinVar aggregate classification (germline): Uncertain significance. Review status: criteria provided, multiple submitters, no conflicts (2 of 4 stars). 3 submissions from 3 submitters: Uncertain significance (3). Last evaluated 2026-01-05.

Conditions:
Autosomal recessive limb-girdle muscular dystrophy type 2J (LGMDR10). Also called: MUSCULAR DYSTROPHY, LIMB-GIRDLE, AUTOSOMAL RECESSIVE 10; Limb-girdle muscular dystrophy, type 2J. Identifiers: Orphanet 140922, MedGen C1837342, MONDO:0012127, OMIM 608807.
Dilated cardiomyopathy 1G (CMD1G). Identifiers: Orphanet 154, MedGen C1858763, MONDO:0011400, OMIM 604145.
Myopathy, myofibrillar, 9, with early respiratory failure (MFM9). Also called: Myopathy, distal, with early respiratory failure, autosomal dominant; Hereditary myopathy with early respiratory failure; EDSTROM MYOPATHY; MYOPATHY, PROXIMAL, WITH EARLY RESPIRATORY MUSCLE INVOLVEMENT. Identifiers: Orphanet 178464, Orphanet 34521, MedGen C1863599, MONDO:0011362, OMIM 603689.
Tibial muscular dystrophy (TMD). Also called: UDD MYOPATHY; Tibial muscular dystrophy, tardive; Udd Distal Myopathy – Tibial Muscular Dystrophy. Identifiers: Orphanet 609, MedGen C1838244, MONDO:0010870, OMIM 600334.
Early-onset myopathy with fatal cardiomyopathy (CMYO5). Also called: Salih Myopathy; CONGENITAL MYOPATHY 5 WITH CARDIOMYOPATHY. Identifiers: Orphanet 289377, MedGen C2673677, MONDO:0012714, OMIM 611705. Disease mechanism: loss of function.
Hypertrophic cardiomyopathy 9. Also called: Familial hypertrophic cardiomyopathy 9. Identifiers: MedGen C1861065, MONDO:0013412, OMIM 613765.

Allele frequency attached by ClinVar (database versions not stated): ExAC 0.00001; gnomAD 0.00001; gnomAD exomes 0.00001; TOPMed 0.00003.
gnomAD v4.1: 111 of 1,612,748 alleles (0.0069%); highest among the groups gnomAD compares: South Asian, 0.013%; 1 homozygote.

Submissions (3):

Women's Health and Genetics/Laboratory Corporation of America, LabCorp
Classification: Uncertain significance. Last evaluated: 2026-01-05. Review status: criteria provided, single submitter. Criteria: LabCorp Variant Classification Summary - May 2015. Collection method: clinical testing. Allele origin: germline.
Comment: Variant summary: TTN c.23150A>G (p.His7717Arg) results in a non-conservative amino acid change in the encoded protein sequence. Algorithms developed to predict the effect of missense changes on protein structure and function are either unavailable or do not agree on the potential impact of this missense change. The variant allele was found at a frequency of 1.2e-05 in 247066 control chromosomes. The available data on variant occurrences in the general population are insufficient to allow any conclusion about variant significance. To our knowledge, no occurrence of c.23150A>G in individuals affected with TTN-related conditions and no experimental evidence demonstrating its impact on protein function have been reported. ClinVar contains an entry for this variant (Variation ID: 404792). Based on the evidence outlined above, the variant was classified as uncertain significance.

Fulgent Genetics
Classification: Uncertain significance for Tibial muscular dystrophy; Myopathy, myofibrillar, 9, with early respiratory failure; Dilated cardiomyopathy 1G; Autosomal recessive limb-girdle muscular dystrophy type 2J; Early-onset myopathy with fatal cardiomyopathy; Hypertrophic cardiomyopathy 9. Last evaluated: 2021-11-09. Review status: criteria provided, single submitter. Criteria: ACMG Guidelines, 2015. Collection method: clinical testing. Allele origin: unknown.

Labcorp Genetics (formerly Invitae), Labcorp
Classification: Uncertain significance for Dilated cardiomyopathy 1G; Autosomal recessive limb-girdle muscular dystrophy type 2J. Last evaluated: 2016-07-22. Review status: criteria provided, single submitter. Criteria: Invitae Variant Classification Sherloc (09022015). Collection method: clinical testing. Allele origin: germline.